The following is an entry in ClinVar:

NM_004817.4(TJP2):c.2698C>A (p.Arg900Ser)

Gene: TJP2 (tight junction protein 2; plus strand). Cytogenetic location: 9q21.11.
Variant type: single nucleotide variant.
Coding change: c.2698C>A on transcript NM_004817.4 (MANE Select); coding-DNA position 2698, C replaced by A.
Protein change: p.Arg900Ser; replaces arginine 900 with serine.
Molecular consequence: missense variant. On other transcripts: intron variant (1).
Genome position (GRCh38, 1-based): chr9:69,248,042, C>A. VCF-style: chr9-69248042-C-A. GRCh37 (hg19) VCF-style: chr9-71862958-C-A.
Other names: c.2629C>A, p.Arg877Ser (NM_001170414.2, NM_001369871.1); c.2710C>A, p.Arg904Ser (NM_001170415.1, NM_001369874.1, NM_001369875.1); c.2791C>A, p.Arg931Ser (NM_001170416.2); c.2623C>A, p.Arg875Ser (NM_001369870.1); c.2698C>A, p.Arg900Ser (NM_001369872.1, NM_201629.3); c.2667+1252C>A (NM_001369873.1); short protein forms R904S, R931S, R877S, R875S, R900S.
Identifiers: ClinVar variation 3177670 (VCV003177670.3), dbSNP rs374830612, ClinGen allele CA5073752.

ClinVar aggregate classification (germline): Uncertain significance. Review status: criteria provided, multiple submitters, no conflicts (2 of 4 stars). 3 submissions from 3 submitters: Uncertain significance (3). Last evaluated 2025-12-23.

Conditions:
Inborn genetic diseases. Identifiers: MedGen C0950123, MeSH D030342.
TJP2-related disorder. Also called: TJP2-related condition.

Allele frequency attached by ClinVar (database versions not stated): ESP Exome Variant Server 0.00008.
gnomAD v4.1: 36 of 1,613,020 alleles (0.0022%); highest among the groups gnomAD compares: Non-Finnish European, 0.003%; no homozygotes.

Submissions (3):

PreventionGenetics, part of Exact Sciences
Classification: Uncertain significance for TJP2-related condition. Last evaluated: 2025-12-23. Review status: criteria provided, single submitter. Criteria: ACMG Guidelines, 2015. Collection method: clinical testing. Allele origin: germline.
Comment: The TJP2 c.2698C>A variant is predicted to result in the amino acid substitution p.Arg900Ser. To our knowledge, this variant has not been reported in the literature. This variant is reported in 0.0055% of alleles in individuals of European (Non-Finnish) descent in gnomAD. At this time, the clinical significance of this variant is uncertain due to the absence of conclusive functional and genetic evidence.

GeneDx
Classification: Uncertain significance. Last evaluated: 2023-11-14. Review status: criteria provided, single submitter. Criteria: GeneDx Variant Classification Process June 2021. Collection method: clinical testing. Allele origin: germline. Affected: yes.
Comment: In silico analysis supports that this missense variant has a deleterious effect on protein structure/function; Has not been previously published as pathogenic or benign to our knowledge

Ambry Genetics
Classification: Uncertain significance for Inborn genetic diseases. Last evaluated: 2023-10-27. Review status: criteria provided, single submitter. Criteria: Ambry Variant Classification Scheme 2023. Collection method: clinical testing. Allele origin: germline.